The following is an entry in ClinVar:

ClinVar aggregate classification (germline): Pathogenic. Review status: criteria provided, multiple submitters, no conflicts (2 of 4 stars). 3 submissions from 3 submitters: Pathogenic (2). 1 of the submissions does not count toward it. Last evaluated 2023-10-06.

Conditions:
Childhood hypophosphatasia. Identifiers: Orphanet 247667, Orphanet 436, MedGen C0220743, MONDO:1010168, OMIM 241510, MONDO:0009428.
Familial X-linked hypophosphatemic vitamin D refractory rickets (XLHRD). Also called: X-Linked Hypophosphatemia; HYPOPHOSPHATEMIC VITAMIN D-RESISTANT RICKETS; Hypophosphatemic Rickets, X-Linked Dominant; Hypophosphatemia, vitamin D-resistant rickets; Vitamin D-resistant rickets, X-linked. Identifiers: Orphanet 89936, MedGen C0733682, MONDO:0010619, OMIM 307800.

Submissions (3):

Labcorp Genetics (formerly Invitae), Labcorp
Classification: Pathogenic. Last evaluated: 2023-10-06. Review status: criteria provided, single submitter. Criteria: Invitae Variant Classification Sherloc (09022015). Collection method: clinical testing. Allele origin: germline.
Comment: This sequence change affects a donor splice site in intron 10 of the PHEX gene. It is expected to disrupt RNA splicing. Variants that disrupt the donor or acceptor splice site typically lead to a loss of protein function (PMID: 16199547), and loss-of-function variants in PHEX are known to be pathogenic (PMID: 9097956, 9106524, 19219621). This variant is not present in population databases (gnomAD no frequency). Disruption of this splice site has been observed in individuals with hypophosphatemic rickets (PMID: 21902834; Invitae). ClinVar contains an entry for this variant (Variation ID: 1075410). Algorithms developed to predict the effect of sequence changes on RNA splicing suggest that this variant may disrupt the consensus splice site. For these reasons, this variant has been classified as Pathogenic.

Mendelics
Classification: Pathogenic for Familial X-linked hypophosphatemic vitamin D refractory rickets. Last evaluated: 2022-05-04. Review status: criteria provided, single submitter. Criteria: Mendelics Assertion Criteria 2019. Collection method: clinical testing. Allele origin: germline.

Department of Pediatric Endocrinology, Shriners Hospitals for Children - Mexico City
No classification provided. Condition: Childhood hypophosphatasia. Review status: no classification provided. Collection method: phenotyping only. Allele origin: germline. Inheritance: X-linked dominant inheritance. Affected: yes. Observed: 2 variant alleles, 1 hemizygote. Not counted in ClinVar's aggregate classification.

Literature cited by the submitters: PubMed 16199547 (cited by Labcorp Genetics (formerly Invitae), Labcorp); PubMed 9097956 (cited by Labcorp Genetics (formerly Invitae), Labcorp); PubMed 9106524 (cited by Labcorp Genetics (formerly Invitae), Labcorp); PubMed 19219621 (cited by Labcorp Genetics (formerly Invitae), Labcorp); PubMed 21902834 (cited by Labcorp Genetics (formerly Invitae), Labcorp).

NM_000444.6(PHEX):c.1173+1G>A

Gene: PHEX (phosphate regulating endopeptidase X-linked; plus strand). Cytogenetic location: Xp22.11.
Variant type: single nucleotide variant.
Coding change: c.1173+1G>A on transcript NM_000444.6 (MANE Select); the canonical splice donor site of the intron after coding-DNA position 1173, G replaced by A.
Molecular consequence: splice donor variant.
Genome position (GRCh38, 1-based): chrX:22,111,561, G>A. VCF-style: chrX-22111561-G-A. GRCh37 (hg19) VCF-style: chrX-22129679-G-A.
Other names: c.1173+1G>A (NM_001282754.2).
Identifiers: ClinVar variation 1075410 (VCV001075410.11), dbSNP rs1064793227, ClinGen allele CA412573286.
Genomic context (GRCh38, chrX:22,111,561, plus strand): 5'-TATTCCAGAATTCCAAACCTTAGCAGGCGCTTTCAGTATAGATGGCTGGAATTCTCAAGG[G>A]TAAGTTTAAGAAGATTGCAGTGTTACATCGCTGGATAACTTTACATGCTGGAATAGTCCA-3'